The following is an entry in ClinVar:

ClinVar aggregate classification (germline): Likely pathogenic (1 of 4 stars; one submission).

Conditions:
Hypertrophic cardiomyopathy. Also called: HYPERTROPHIC MYOCARDIOPATHY. Identifiers: Orphanet 217569, MedGen C0007194, MeSH D002312, MONDO:0005045, HP:0001639.

Submission:

Labcorp Genetics (formerly Invitae), Labcorp
Classification: Likely pathogenic for Hypertrophic cardiomyopathy. Last evaluated: 2025-12-24. Review status: criteria provided, single submitter. Criteria: Invitae Variant Classification Sherloc (09022015). Collection method: clinical testing. Allele origin: germline.
Comment: This sequence change replaces leucine, which is neutral and non-polar, with glutamine, which is neutral and polar, at codon 908 of the MYH7 protein (p.Leu908Gln). This variant is not present in population databases (gnomAD no frequency). This missense change has been observed in individual(s) with clinical features of hypertrophic cardiomyopathy (PMID: 30297972; internal data). Invitae Evidence Modeling of protein sequence and biophysical properties (such as structural, functional, and spatial information, amino acid conservation, physicochemical variation, residue mobility, and thermodynamic stability) indicates that this missense variant is expected to disrupt MYH7 protein function with a positive predictive value of 95%. This variant disrupts the p.Leu908 amino acid residue in MYH7. Other variant(s) that disrupt this residue have been determined to be pathogenic (PMID: 1638703, 8483915, 9172070, 10725281, 11227787, 12473556, 12975413, 15358028, 15528230, 15858117, 18403758, 21642240). This suggests that this residue is clinically significant, and that variants that disrupt this residue are likely to be disease-causing. In summary, the currently available evidence indicates that the variant is pathogenic, but additional data are needed to prove that conclusively. Therefore, this variant has been classified as Likely Pathogenic.

Literature cited by the submitters: PubMed 30297972; PubMed 1638703; PubMed 8483915; PubMed 9172070; PubMed 10725281; PubMed 11227787; PubMed 12473556; PubMed 12975413; PubMed 15358028; PubMed 15528230; PubMed 15858117; PubMed 18403758; PubMed 21642240.

NM_000257.4(MYH7):c.2723T>A (p.Leu908Gln)

Gene: MYH7 (myosin heavy chain 7; minus strand). Cytogenetic location: 14q11.2.
Variant type: single nucleotide variant.
Coding change: c.2723T>A on transcript NM_000257.4 (MANE Select); coding-DNA position 2723, T replaced by A.
Protein change: p.Leu908Gln; replaces leucine 908 with glutamine.
Molecular consequence: missense variant.
Genome position (GRCh38, 1-based): chr14:23,424,106, A>T on the plus strand (T>A on the coding strand, the complement: MYH7 is on the minus strand). VCF-style: chr14-23424106-A-T. GRCh37 (hg19) VCF-style: chr14-23893315-A-T.
Other names: c.2723T>A, p.Leu908Gln (NM_001407004.1); short protein forms L908Q.
Identifiers: ClinVar variation 4695096 (VCV004695096.1).